The following is an entry in ClinVar:

ClinVar aggregate classification (germline): Benign (1 of 4 stars; one submission).

Conditions:
Familial cancer of breast. Also called: hereditary breast carcinoma; Hereditary breast cancer; BREAST CANCER, FAMILIAL. Identifiers: Orphanet 227535, MedGen C0346153, MONDO:0016419, OMIM 114480. Disease mechanism: loss of function.

Submission:

Myriad Genetics, Inc.
Classification: Benign for Familial cancer of breast. Last evaluated: 2024-08-09. Review status: criteria provided, single submitter. Criteria: Myriad Autosomal Dominant, Autosomal Recessive and X-Linked Classification Criteria (2023). Collection method: clinical testing. Allele origin: unknown.
Comment: This variant is considered benign. This variant is a silent/synonymous amino acid change and it is not expected to impact splicing.

NM_032043.3(BRIP1):c.99C>T (p.Leu33=)

Gene: BRIP1 (BRCA1 interacting DNA helicase 1; minus strand). Cytogenetic location: 17q23.2.
Variant type: single nucleotide variant.
Coding change: c.99C>T on transcript NM_032043.3 (MANE Select); coding-DNA position 99, C replaced by T.
Protein change: p.Leu33=; no amino-acid change (leucine 33 retained).
Molecular consequence: synonymous variant.
Genome position (GRCh38, 1-based): chr17:61,859,902, G>A on the plus strand (C>T on the coding strand, the complement: BRIP1 is on the minus strand). VCF-style: chr17-61859902-G-A. GRCh37 (hg19) VCF-style: chr17-59937263-G-A.
Identifiers: ClinVar variation 3378444 (VCV003378444.1).